The following is an entry in ClinVar:

NM_001370298.3(FGD4):c.1390G>T (p.Val464Phe)

Gene: FGD4 (FYVE, RhoGEF and PH domain containing 4; plus strand). Cytogenetic location: 12p11.21.
Variant type: single nucleotide variant.
Coding change: c.1390G>T on transcript NM_001370298.3 (MANE Select); coding-DNA position 1390, G replaced by T.
Protein change: p.Val464Phe; replaces valine 464 with phenylalanine.
Molecular consequence: missense variant. On other transcripts: 5 prime UTR variant (1).
Genome position (GRCh38, 1-based): chr12:32,602,303, G>T. VCF-style: chr12-32602303-G-T. GRCh37 (hg19) VCF-style: chr12-32755237-G-T.
Other names: c.1234G>T, p.Val412Phe (NM_001304481.2); c.235G>T, p.Val79Phe (NM_001304483.2); c.-73G>T (NM_001304484.2); c.700G>T, p.Val234Phe (NM_001330373.2, NM_001330374.2, NM_001384130.1); c.427G>T, p.Val143Phe (NM_001370297.1); c.1390G>T, p.Val464Phe (NM_001384126.1); c.979G>T, p.Val327Phe (NM_001384127.1, NM_001384128.1, NM_001385118.1 and 1 more transcripts); short protein forms V143F, V234F, V327F, V412F, V464F, V79F.
Identifiers: ClinVar variation 1720065 (VCV001720065.5), dbSNP rs2082190695, ClinGen allele CA384359025.

ClinVar aggregate classification (germline): Uncertain significance (1 of 4 stars; one submission).

Conditions:
Charcot-Marie-Tooth disease type 4. Also called: Charcot-Marie-Tooth, Type 4; Charcot-Marie-Tooth disease, type IV. Identifiers: Orphanet 64749, MedGen C4082197, MONDO:0018995.

Submission:

Labcorp Genetics (formerly Invitae), Labcorp
Classification: Uncertain significance for Charcot-Marie-Tooth disease type 4. Last evaluated: 2023-01-23. Review status: criteria provided, single submitter. Criteria: Invitae Variant Classification Sherloc (09022015). Collection method: clinical testing. Allele origin: germline.
Comment: This missense change has been observed in individual(s) with Charcot-Marie-Tooth disease (Invitae). This sequence change replaces valine, which is neutral and non-polar, with phenylalanine, which is neutral and non-polar, at codon 327 of the FGD4 protein (p.Val327Phe). This variant is not present in population databases (gnomAD no frequency). ClinVar contains an entry for this variant (Variation ID: 1720065). Advanced modeling of protein sequence and biophysical properties (such as structural, functional, and spatial information, amino acid conservation, physicochemical variation, residue mobility, and thermodynamic stability) has been performed at Invitae for this missense variant, however the output from this modeling did not meet the statistical confidence thresholds required to predict the impact of this variant on FGD4 protein function. In summary, the available evidence is currently insufficient to determine the role of this variant in disease. Therefore, it has been classified as a Variant of Uncertain Significance.